The following is an entry in ClinVar:

ClinVar aggregate classification (germline): Uncertain significance. Review status: criteria provided, multiple submitters, no conflicts (2 of 4 stars). 2 submissions from 2 submitters: Uncertain significance (2). Last evaluated 2024-08-30.

Allele frequency attached by ClinVar (database versions not stated): 1000 Genomes Project 30x 0.00031.
gnomAD v4.1: 72 of 1,613,770 alleles (0.0045%); highest among the groups gnomAD compares: Admixed American, 0.067%; 1 homozygote.

Submissions (2):

Women's Health and Genetics/Laboratory Corporation of America, LabCorp
Classification: Uncertain significance. Last evaluated: 2024-08-30. Review status: criteria provided, single submitter. Criteria: LabCorp Variant Classification Summary - May 2015. Collection method: clinical testing. Allele origin: germline.
Comment: Variant summary: VWF c.1613C>G (p.Pro538Arg) results in a non-conservative amino acid change located in the von Willebrand factor, type D domain (IPR001846) of the encoded protein sequence. Three of five in-silico tools predict a damaging effect of the variant on protein function. The variant allele was found at a frequency of 0.00018 in 250620 control chromosomes in the gnomAD database, including 1 homozygotes. This frequency is not significantly higher than estimated for a pathogenic variant in VWF causing Von Willebrand Disease, allowing no conclusion about variant significance. To our knowledge, no occurrence of c.1613C>G in individuals affected with Von Willebrand Disease and no experimental evidence demonstrating its impact on protein function have been reported. ClinVar contains an entry for this variant (Variation ID: 1338283). Based on the evidence outlined above, the variant was classified as uncertain significance.

Genetic Services Laboratory, University of Chicago
Classification: Uncertain significance. Last evaluated: 2017-09-20. Review status: criteria provided, single submitter. Criteria: ACMG Guidelines, 2015. Collection method: clinical testing. Allele origin: germline. Affected: no.

NM_000552.5(VWF):c.1613C>G (p.Pro538Arg)

Gene: VWF (von Willebrand factor; minus strand). Cytogenetic location: 12p13.31.
Variant type: single nucleotide variant.
Coding change: c.1613C>G on transcript NM_000552.5 (MANE Select); coding-DNA position 1613, C replaced by G.
Protein change: p.Pro538Arg; replaces proline 538 with arginine.
Molecular consequence: missense variant.
Genome position (GRCh38, 1-based): chr12:6,057,965, G>C on the plus strand (C>G on the coding strand, the complement: VWF is on the minus strand). VCF-style: chr12-6057965-G-C. GRCh37 (hg19) VCF-style: chr12-6167131-G-C.
Other names: short protein forms P538R.
Identifiers: ClinVar variation 1338283 (VCV001338283.5), dbSNP rs139196998, ClinGen allele CA6403327.